The following is an entry in ClinVar:

NM_000298.6(PKLR):c.1516G>A (p.Val506Ile)

Gene: PKLR (pyruvate kinase L/R; minus strand). Cytogenetic location: 1q22.
Variant type: single nucleotide variant.
Coding change: c.1516G>A on transcript NM_000298.6 (MANE Select); coding-DNA position 1516, G replaced by A.
Protein change: p.Val506Ile; replaces valine 506 with isoleucine.
Molecular consequence: missense variant.
Genome position (GRCh38, 1-based): chr1:155,291,858, C>T on the plus strand (G>A on the coding strand, the complement: PKLR is on the minus strand). VCF-style: chr1-155291858-C-T. GRCh37 (hg19) VCF-style: chr1-155261649-C-T.
Other names: c.1423G>A, p.Val475Ile (NM_181871.4); c.1516G>A, p.Val506Ile (LRG_1136t1); short protein forms V506I, V475I.
Identifiers: ClinVar variation 235407 (VCV000235407.64), dbSNP rs8177988, ClinGen allele CA1143975.
Genomic context (GRCh38, chr1:155,291,858, plus strand): 5'-CCCAGATGGCTTCTGGAGGTTCACGGTAAAGCAAGGGGAAGACTCCTCGGCATAAGTGGA[C>T]CTGGCGGGCAGCCTGGGCAGAGCGGGTGACAGCAATGACTGCTGCCCGAGGTCGGTACCG-3'
Protein context (NP_000289.1, residues 496-516): VTRSAQAARQ[Val506Ile]HLCRGVFPLL

ClinVar aggregate classification (germline): Conflicting classifications of pathogenicity. Review status: criteria provided, conflicting classifications (1 of 4 stars). 12 submissions from 12 submitters: Uncertain significance (5); Likely benign (5). 2 of the submissions do not count toward it. Last evaluated 2026-03-01.

Conditions:
PKLR-related disorder. Also called: PKLR-related condition.
Pyruvate kinase hyperactivity. Identifiers: MedGen C1863224, MONDO:0007067, OMIM 102900.
Pyruvate kinase deficiency of red cells (CNSHA2). Also called: PK DEFICIENCY; PYRUVATE KINASE DEFICIENCY OF ERYTHROCYTE; Pyruvate kinase deficiency, Amish type. Identifiers: Orphanet 766, MedGen C0340968, MONDO:0009950, OMIM 266200.

Allele frequency attached by ClinVar (database versions not stated): 1000 Genomes Project 0.00220; 1000 Genomes Project 30x 0.00250; ESP Exome Variant Server 0.00392; gnomAD 0.00411 and 0.00414; ExAC 0.00420; TOPMed 0.00434; gnomAD exomes 0.00436.
gnomAD v4.1: 8,824 of 1,614,046 alleles (0.55%); highest among the groups gnomAD compares: South Asian, 0.67%; 43 homozygotes.

Submissions (12):

CeGaT Center for Human Genetics Tuebingen
Classification: Likely benign. Last evaluated: 2026-03-01. Review status: criteria provided, single submitter. Criteria: CeGaT Center For Human Genetics Tuebingen Variant Classification Criteria Version 2. Collection method: clinical testing. Allele origin: germline. Affected: yes. Observed: 7 variant alleles.
Comment: PKLR: BS1

Labcorp Genetics (formerly Invitae), Labcorp
Classification: Likely benign. Last evaluated: 2025-11-16. Review status: criteria provided, single submitter. Criteria: Invitae Variant Classification Sherloc (09022015). Collection method: clinical testing. Allele origin: germline.

Mayo Clinic Laboratories, Mayo Clinic
Classification: Likely benign. Last evaluated: 2025-09-30. Review status: criteria provided, single submitter. Criteria: ACMG Guidelines, 2015. Collection method: clinical testing. Allele origin: germline. Observed: 26 variant alleles.
Comment: BS2, BP4_strong

ARUP Laboratories, Molecular Genetics and Genomics, ARUP Laboratories
Classification: Uncertain significance. Last evaluated: 2025-01-31. Review status: criteria provided, single submitter. Criteria: ARUP Molecular Germline Variant Investigation Process 2024. Collection method: clinical testing. Allele origin: germline.
Comment: The PKLR c.1516G>A; p.Val506Ile variant (rs8177988; ClinVar Variation ID; 235407), also known as PK Mallorca, is reported in both homozygous and compound heterozygous state in individuals with pyruvate kinase deficiency (Isik 2024, Pissard 2006). Also reported in the heterozygous state in an individual with hereditary spherocytosis who carried additional variants in genes responsible for spherocytosis; this individualâ€™s asymptomatic mother is also a carrier of this variant (Zarza 2000). This variant is found in the general population with an overall allele frequency of 0.4% (1,201/282,864 alleles, including five homozygotes) in the Genome Aggregation Database (v2.1.1). Computational analyses are uncertain whether this variant is neutral or deleterious (REVEL: 0.534). While the high population frequency suggests that this is likely a benign variant, given the clinical reports of this variant in individuals with PK deficiency (Isik 2024, Pissard 2006), and the lack of functional data, the significance of this variant is uncertain at this time. References: Isik E et al. Identification of the molecular etiology in rare congenital hemolytic anemias using next-generation sequencing with exome-based copy number variant analysis. Eur J Haematol. 2024 Jul. PMID: 38556258. Pissard S et al. Pyruvate kinase deficiency in France: a 3-year study reveals 27 new mutations. Br J Haematol. 2006 Jun. PMID: 16704447. Zarza R et al. Co-existence of hereditary spherocytosis and a new red cell pyruvate kinase variant: PK mallorca. Haematologica. 2000 Mar. PMID: 10702808.

Blueprint Genetics
Classification: Likely benign. Last evaluated: 2024-11-20. Review status: criteria provided, single submitter. Criteria: ACMG Guidelines, 2015. Collection method: clinical testing. Allele origin: germline.

Genomic Medicine Center of Excellence, King Faisal Specialist Hospital and Research Centre
Classification: Uncertain significance for Pyruvate kinase deficiency of red cells. Last evaluated: 2024-09-22. Review status: criteria provided, single submitter. Criteria: ACMG Guidelines, 2015. Collection method: clinical testing. Allele origin: germline.

Fulgent Genetics
Classification: Uncertain significance for Pyruvate kinase hyperactivity; Pyruvate kinase deficiency of red cells. Last evaluated: 2018-10-31. Review status: criteria provided, single submitter. Criteria: ACMG Guidelines, 2015. Collection method: clinical testing. Allele origin: unknown.

GeneDx
Classification: Uncertain significance. Last evaluated: 2017-10-03. Review status: criteria provided, single submitter. Criteria: GeneDx Variant Classification (06012015). Collection method: clinical testing. Allele origin: germline. Affected: yes.
Comment: The V506I variant in the PKLR gene, also called PK Mallorca, has been reported previously in the heterozygous state with a second PKLR variant in a patient with PK deficiency (Pissard et al., 2006). The V506I variant was also identified in the heterozygous state in a child with concomitant hereditary spherocytosis and chronic hemolytic anemia who harbored V506I in trans with variants in hereditary spherocytosis genes; this individual's mother with V506I in the heterozygous state was asymptomatic (Zarza et al., 2000). The V506I variant is observed in 217/30782 (0.7%) alleles from individuals of South African background, including five homozygous individuals, in the ExAC dataset (Lek et al., 2016). The V506I variant is a conservative amino acid substitution, which is not likely to impact secondary protein structure as these residues share similar properties. This substitution occurs at a position where amino acids with similar properties to Valine are tolerated across species. In silico analysis is inconsistent in its predictions as to whether or not the variant is damaging to the protein structure/function. We interpret V506I as a variant of uncertain significance.

Illumina Laboratory Services, Illumina
Classification: Likely benign for Pyruvate kinase deficiency of red cells. Last evaluated: 2017-04-27. Review status: criteria provided, single submitter. Criteria: ICSL Variant Classification Criteria 13 December 2019. Collection method: clinical testing. Allele origin: germline.
Comment: This variant was observed as part of a predisposition screen in an ostensibly healthy population. A literature search was performed for the gene, cDNA change, and amino acid change (where applicable). No publications were found based on this search. Allele frequency data from public databases allowed determination this variant is unlikely to cause disease. Therefore, this variant is classified as likely benign.

Center for Pediatric Genomic Medicine, Children's Mercy Hospital and Clinics
Classification: Uncertain significance. Last evaluated: 2015-02-06. Review status: criteria provided, single submitter. Criteria: ACMG Guidelines, 2015. Collection method: clinical testing. Allele origin: germline.
ClinVar note: Converted during submission from Uncertain Significance to Uncertain significance.

PreventionGenetics, part of Exact Sciences
Classification: Likely benign for PKLR-related condition. Last evaluated: 2023-02-15. Review status: no assertion criteria provided. Collection method: clinical testing. Allele origin: germline. Not counted in ClinVar's aggregate classification.
Comment: This variant is classified as likely benign based on ACMG/AMP sequence variant interpretation guidelines (Richards et al. 2015 PMID: 25741868, with internal and published modifications).

Department of Pathology and Laboratory Medicine, Sinai Health System
Classification: Uncertain significance. Review status: no assertion criteria provided. Collection method: clinical testing. Allele origin: unknown. Affected: yes. Study: The Canadian Open Genetics Repository (COGR). Not counted in ClinVar's aggregate classification.
Comment: The PKLR p.Val475Ile variant was identified in 1 of 112 proband chromosomes (frequency: 0.0089) from individuals or families with pyruvate-kinase deficiency (Pissard_2006_PMID:16704447). The variant was also identified in the heterozygous state in a patient with partial red blood cell pyruvate-kinase deficiency concomitant hereditary spherocytosis and chronic hemolytic anemia; the patient's unaffected mother also carried the V475I variant (Zarza_2000_PMID:10702808). The variant was identified in dbSNP (ID: rs8177988), ClinVar (classified as a VUS by ARUP Laboratories, GeneDx, Fulgent Genetics and Center for Pediatric Genomic Medicine, Children's Mercy Hospital and Clinics) and LOVD 3.0 (classified as a VUS and pathogenic). The variant was identified in control databases in 1201 of 282864 chromosomes (5 homozygous) at a frequency of 0.004246 increasing the likelihood this could be a low frequency benign variant (Genome Aggregation Database Feb 27, 2017). The variant was observed in the following populations: South Asian in 221 of 30616 chromosomes (freq: 0.007218), European (non-Finnish) in 769 of 129180 chromosomes (freq: 0.005953), Other in 37 of 7224 chromosomes (freq: 0.005122), Latino in 93 of 35436 chromosomes (freq: 0.002624), Ashkenazi Jewish in 21 of 10368 chromosomes (freq: 0.002025), European (Finnish) in 31 of 25120 chromosomes (freq: 0.001234) and African in 29 of 24966 chromosomes (freq: 0.001162); it was not observed in the East Asian population. The p.Val475 residue is not conserved in mammals and computational analyses (PolyPhen-2, SIFT, AlignGVGD, BLOSUM, MutationTaster) do not suggest a high likelihood of impact to the protein; however, this information is not predictive enough to rule out pathogenicity. The variant occurs outside of the splicing consensus sequence and 3 of 4 in silico or computational prediction software programs (SpliceSiteFinder, MaxEntScan, GeneSplicer) do not predict a difference in splicing. In summary, based on the above information the clinical significance of this variant cannot be determined with certainty at this time. This variant is classified as a variant of uncertain significance.

Literature cited by the submitters: PubMed 38556258 (cited by Mayo Clinic Laboratories, Mayo Clinic); PubMed 38666530 (cited by Mayo Clinic Laboratories, Mayo Clinic).